The following is an entry in ClinVar:

NM_003072.5(SMARCA4):c.761-5T>C

Gene: SMARCA4 (SWI/SNF related BAF chromatin remodeling complex subunit ATPase 4; plus strand). Cytogenetic location: 19p13.2.
Variant type: single nucleotide variant.
Coding change: c.761-5T>C on transcript NM_003072.5 (MANE Select); 5 bases into the intron before coding-DNA position 761, T replaced by C.
Molecular consequence: intron variant.
Genome position (GRCh38, 1-based): chr19:10,986,900, T>C. VCF-style: chr19-10986900-T-C. GRCh37 (hg19) VCF-style: chr19-11097576-T-C.
Other names: c.761-5T>C (NM_001128844.3, NM_001128849.3, NM_001128847.4 and 5 more transcripts).
Identifiers: ClinVar variation 415155 (VCV000415155.27), dbSNP rs543702763, ClinGen allele CA9203572.

ClinVar aggregate classification (germline): Benign/Likely benign. Review status: criteria provided, multiple submitters, no conflicts (2 of 4 stars). 10 submissions from 10 submitters: Benign (3); Likely benign (6). 1 of the submissions does not count toward it. Last evaluated 2026-07-06.

Conditions:
SMARCA4-related disorder. Also called: SMARCA4-related condition.
Intellectual disability, autosomal dominant 16 (CSS4). Also called: COFFIN-SIRIS SYNDROME 4. Identifiers: Orphanet 1465, MedGen C3553249, MONDO:0013821, OMIM 614609.
Rhabdoid tumor predisposition syndrome 2 (RTPS2). Identifiers: Orphanet 231108, Orphanet 69077, MedGen C2750074, MONDO:0013224, OMIM 613325.
Hereditary cancer-predisposing syndrome. Also called: Hereditary Cancer Syndrome; Hereditary neoplastic syndrome; Neoplastic Syndromes, Hereditary; Tumor predisposition. Identifiers: Orphanet 140162, MedGen C0027672, MeSH D009386, MONDO:0015356.

Allele frequency attached by ClinVar (database versions not stated): gnomAD exomes 0.00004 and 0.00006; TOPMed 0.00001; ExAC 0.00005.
gnomAD v4.1: 55 of 1,605,690 alleles (0.0034%); highest among the groups gnomAD compares: Middle Eastern, 0.45%; no homozygotes.

Submissions (10):

Myriad Genetics, Inc.
Classification: Likely benign for Rhabdoid tumor predisposition syndrome 2. Last evaluated: 2026-07-06. Review status: criteria provided, single submitter. Criteria: Myriad Autosomal Dominant, Autosomal Recessive and X-Linked Classification Criteria (2023). Collection method: clinical testing. Allele origin: unknown.
Comment: This variant is considered likely benign. This variant is intronic and is not expected to impact mRNA splicing.

Labcorp Genetics (formerly Invitae), Labcorp
Classification: Likely benign for Rhabdoid tumor predisposition syndrome 2. Last evaluated: 2026-02-03. Review status: criteria provided, single submitter. Criteria: Invitae Variant Classification Sherloc (09022015). Collection method: clinical testing. Allele origin: germline.

Dasa
Classification: Likely benign. Last evaluated: 2025-12-01. Review status: criteria provided, single submitter. Criteria: DASA Assertion Criteria. Collection method: clinical testing. Allele origin: germline.
Comment: NM_003072.5(SMARCA4):c.761-5T>C is a splice-region variant. Computational prediction algorithms are consistent with a benign effect. Therefore, based on the currently available evidence, this variant is classified as likely benign.

Quest Diagnostics Nichols Institute San Juan Capistrano
Classification: Likely benign. Last evaluated: 2025-06-04. Review status: criteria provided, single submitter. Criteria: Quest Diagnostics criteria. Collection method: clinical testing. Allele origin: unknown.

Blueprint Genetics
Classification: Likely benign. Last evaluated: 2024-11-08. Review status: criteria provided, single submitter. Criteria: ACMG Guidelines, 2015. Collection method: clinical testing. Allele origin: germline.

Sema4
Classification: Benign for Hereditary cancer-predisposing syndrome. Last evaluated: 2021-11-15. Review status: criteria provided, single submitter. Criteria: Sema4 Curation Guidelines. Collection method: curation. Allele origin: germline.

Genome-Nilou Lab
Classification: Benign for Intellectual disability, autosomal dominant 16. Last evaluated: 2021-07-15. Review status: criteria provided, single submitter. Criteria: ACMG Guidelines, 2015. Collection method: clinical testing. Allele origin: germline. Affected: no.

Ambry Genetics
Classification: Benign for Hereditary cancer-predisposing syndrome. Last evaluated: 2019-05-29. Review status: criteria provided, single submitter. Criteria: Ambry Variant Classification Scheme 2023. Collection method: clinical testing. Allele origin: germline.

Breakthrough Genomics
Classification: Likely benign. Review status: criteria provided, single submitter. Criteria: ACMG Guidelines, 2015. Collection method: not provided. Allele origin: germline. Inheritance: Autosomal dominant inheritance. Affected: yes.

PreventionGenetics, part of Exact Sciences
Classification: Likely benign for SMARCA4-related condition. Last evaluated: 2020-01-23. Review status: no assertion criteria provided. Collection method: clinical testing. Allele origin: germline. Not counted in ClinVar's aggregate classification.
Comment: This variant is classified as likely benign based on ACMG/AMP sequence variant interpretation guidelines (Richards et al. 2015 PMID: 25741868, with internal and published modifications).